The following is an entry in ClinVar:

ClinVar aggregate classification (germline): Uncertain significance (1 of 4 stars; one submission).

Conditions:
Early-infantile DEE. Also called: Early infantile epileptic encephalopathy; Early infantile epileptic encephalopathy with suppression bursts; Ohtahara syndrome. Identifiers: Orphanet 1934, MedGen C0393706, MONDO:0800491.

Submission:

Labcorp Genetics (formerly Invitae), Labcorp
Classification: Uncertain significance for Early-infantile DEE. Last evaluated: 2024-10-22. Review status: criteria provided, single submitter. Criteria: Invitae Variant Classification Sherloc (09022015). Collection method: clinical testing. Allele origin: germline.
Comment: This sequence change replaces proline, which is neutral and non-polar, with threonine, which is neutral and polar, at codon 604 of the SCN8A protein (p.Pro604Thr). This variant is not present in population databases (gnomAD no frequency). This variant has not been reported in the literature in individuals affected with SCN8A-related conditions. Invitae Evidence Modeling of protein sequence and biophysical properties (such as structural, functional, and spatial information, amino acid conservation, physicochemical variation, residue mobility, and thermodynamic stability) has been performed for this missense variant. However, the output from this modeling did not meet the statistical confidence thresholds required to predict the impact of this variant on SCN8A protein function. In summary, the available evidence is currently insufficient to determine the role of this variant in disease. Therefore, it has been classified as a Variant of Uncertain Significance.

NM_001330260.2(SCN8A):c.1810C>A (p.Pro604Thr)

Gene: SCN8A (sodium voltage-gated channel alpha subunit 8; plus strand). Cytogenetic location: 12q13.13.
Variant type: single nucleotide variant.
Coding change: c.1810C>A on transcript NM_001330260.2 (MANE Select); coding-DNA position 1810, C replaced by A.
Protein change: p.Pro604Thr; replaces proline 604 with threonine.
Molecular consequence: missense variant.
Genome position (GRCh38, 1-based): chr12:51,721,720, C>A. VCF-style: chr12-51721720-C-A. GRCh37 (hg19) VCF-style: chr12-52115504-C-A.
Other names: c.1810C>A, p.Pro604Thr (NM_001177984.3, NM_001369788.1, NM_014191.4); short protein forms P604T.
Identifiers: ClinVar variation 2813573 (VCV002813573.3), dbSNP rs1285097368, ClinGen allele CA385229639.